The following is an entry in ClinVar:

NM_001330691.3(CEP78):c.1097G>C (p.Ser366Thr)

Gene: CEP78 (centrosomal protein 78; plus strand). Cytogenetic location: 9q21.2.
Variant type: single nucleotide variant.
Coding change: c.1097G>C on transcript NM_001330691.3 (MANE Select); coding-DNA position 1097, G replaced by C.
Protein change: p.Ser366Thr; replaces serine 366 with threonine.
Molecular consequence: missense variant.
Genome position (GRCh38, 1-based): chr9:78,251,935, G>C. VCF-style: chr9-78251935-G-C. GRCh37 (hg19) VCF-style: chr9-80866851-G-C.
Other names: c.1100G>C, p.Ser367Thr (NM_001098802.3, NM_001349839.2, NM_001349840.2 and 1 more transcripts); c.1097G>C, p.Ser366Thr (NM_001330693.3, NM_001330694.2, NM_001349838.2); short protein forms S367T, S366T.
Identifiers: ClinVar variation 967387 (VCV000967387.7), dbSNP rs754258463, ClinGen allele CA5095143.

ClinVar aggregate classification (germline): Uncertain significance. Review status: criteria provided, multiple submitters, no conflicts (2 of 4 stars). 3 submissions from 3 submitters: Uncertain significance (3). Last evaluated 2025-08-24.

Conditions:
CEP78-related disorder. Also called: CEP78-related condition.
Inborn genetic diseases. Identifiers: MedGen C0950123, MeSH D030342.

Allele frequency attached by ClinVar (database versions not stated): ExAC 0.00001; gnomAD 0.00001; TOPMed 0.00001; gnomAD exomes 0.00002 and 0.00004.

Submissions (3):

Ambry Genetics
Classification: Uncertain significance for Inborn genetic diseases. Last evaluated: 2025-08-24. Review status: criteria provided, single submitter. Criteria: Ambry Variant Classification Scheme 2023. Collection method: clinical testing. Allele origin: germline.

PreventionGenetics, part of Exact Sciences
Classification: Uncertain significance for CEP78-related condition. Last evaluated: 2025-08-11. Review status: criteria provided, single submitter. Criteria: ACMG Guidelines, 2015. Collection method: clinical testing. Allele origin: germline.
Comment: The CEP78 c.1100G>C variant is predicted to result in the amino acid substitution p.Ser367Thr. To our knowledge, this variant has not been reported in the literature. This variant is reported in 0.029% of alleles in individuals of Latino descent in gnomAD. At this time, the clinical significance of this variant is uncertain due to the absence of conclusive functional and genetic evidence.

Labcorp Genetics (formerly Invitae), Labcorp
Classification: Uncertain significance. Last evaluated: 2023-03-23. Review status: criteria provided, single submitter. Criteria: Invitae Variant Classification Sherloc (09022015). Collection method: clinical testing. Allele origin: germline.
Comment: In summary, the available evidence is currently insufficient to determine the role of this variant in disease. Therefore, it has been classified as a Variant of Uncertain Significance. Advanced modeling of protein sequence and biophysical properties (such as structural, functional, and spatial information, amino acid conservation, physicochemical variation, residue mobility, and thermodynamic stability) performed at Invitae indicates that this missense variant is not expected to disrupt CEP78 protein function. ClinVar contains an entry for this variant (Variation ID: 967387). This variant has not been reported in the literature in individuals affected with CEP78-related conditions. This variant is present in population databases (rs754258463, gnomAD 0.03%). This sequence change replaces serine, which is neutral and polar, with threonine, which is neutral and polar, at codon 367 of the CEP78 protein (p.Ser367Thr).